The following is an entry in ClinVar:

ClinVar aggregate classification (germline): Uncertain significance. Review status: criteria provided, multiple submitters, no conflicts (2 of 4 stars). 2 submissions from 2 submitters: Uncertain significance (2). Last evaluated 2024-08-11.

Allele frequency attached by ClinVar (database versions not stated): TOPMed 0.00001; gnomAD 0.00001.
gnomAD v4.1: 1 of 1,612,984 alleles (0.000062%); highest among the groups gnomAD compares: Non-Finnish European, 0.000085%; no homozygotes.

Submissions (2):

Labcorp Genetics (formerly Invitae), Labcorp
Classification: Uncertain significance. Last evaluated: 2024-08-11. Review status: criteria provided, single submitter. Criteria: Invitae Variant Classification Sherloc (09022015). Collection method: clinical testing. Allele origin: germline.
Comment: This sequence change replaces asparagine, which is neutral and polar, with tyrosine, which is neutral and polar, at codon 1064 of the NALCN protein (p.Asn1064Tyr). This variant is not present in population databases (gnomAD no frequency). This variant has not been reported in the literature in individuals affected with NALCN-related conditions. ClinVar contains an entry for this variant (Variation ID: 2413074). Advanced modeling of protein sequence and biophysical properties (such as structural, functional, and spatial information, amino acid conservation, physicochemical variation, residue mobility, and thermodynamic stability) performed at Invitae indicates that this missense variant is not expected to disrupt NALCN protein function with a negative predictive value of 80%. In summary, the available evidence is currently insufficient to determine the role of this variant in disease. Therefore, it has been classified as a Variant of Uncertain Significance.

GeneDx
Classification: Uncertain significance. Last evaluated: 2023-08-02. Review status: criteria provided, single submitter. Criteria: GeneDx Variant Classification Process June 2021. Collection method: clinical testing. Allele origin: germline.
Comment: Not observed at significant frequency in large population cohorts (gnomAD); In silico analysis supports that this missense variant does not alter protein structure/function; Has not been previously published as pathogenic or benign to our knowledge

NM_052867.4(NALCN):c.3190A>T (p.Asn1064Tyr)

Gene: NALCN (sodium leak channel, non-selective; minus strand). Cytogenetic location: 13q32.3.
Variant type: single nucleotide variant.
Coding change: c.3190A>T on transcript NM_052867.4 (MANE Select); coding-DNA position 3190, A replaced by T.
Protein change: p.Asn1064Tyr; replaces asparagine 1064 with tyrosine.
Molecular consequence: missense variant.
Genome position (GRCh38, 1-based): chr13:101,095,653, T>A on the plus strand (A>T on the coding strand, the complement: NALCN is on the minus strand). VCF-style: chr13-101095653-T-A. GRCh37 (hg19) VCF-style: chr13-101748004-T-A.
Other names: c.3103A>T, p.Asn1035Tyr (NM_001350751.2, NM_001350750.2); c.3277A>T, p.Asn1093Tyr (NM_001350748.2); c.3190A>T, p.Asn1064Tyr (NM_001350749.2); short protein forms N1035Y, N1064Y, N1093Y.
Identifiers: ClinVar variation 2413074 (VCV002413074.6), dbSNP rs2034462992, ClinGen allele CA388653607.